The following is an entry in ClinVar:

NM_025137.4(SPG11):c.3893C>T (p.Ala1298Val)

Gene: SPG11 (SPG11 vesicle trafficking associated, spatacsin; minus strand). Cytogenetic location: 15q21.1.
Variant type: single nucleotide variant.
Coding change: c.3893C>T on transcript NM_025137.4 (MANE Select); coding-DNA position 3893, C replaced by T.
Protein change: p.Ala1298Val; replaces alanine 1298 with valine.
Molecular consequence: missense variant.
Genome position (GRCh38, 1-based): chr15:44,598,373, G>A on the plus strand (C>T on the coding strand, the complement: SPG11 is on the minus strand). VCF-style: chr15-44598373-G-A. GRCh37 (hg19) VCF-style: chr15-44890571-G-A.
Other names: c.3893C>T, p.Ala1298Val (NM_001160227.2); short protein forms A1298V.
Identifiers: ClinVar variation 662587 (VCV000662587.13), dbSNP rs768718170, ClinGen allele CA7534824.

ClinVar aggregate classification (germline): Uncertain significance. Review status: criteria provided, multiple submitters, no conflicts (2 of 4 stars). 7 submissions from 5 submitters: Uncertain significance (7). Last evaluated 2025-07-08.

Conditions:
Hereditary spastic paraplegia. Also called: Familial spastic paraparesis. Identifiers: Orphanet 685, MedGen C0037773, MONDO:0019064. Disease mechanism: loss of function.
SPG11-related disorder. Also called: SPG11-related condition.
Inborn genetic diseases. Identifiers: MedGen C0950123, MeSH D030342.
Hereditary spastic paraplegia 11. Also called: Nakamura Osame syndrome; Autosomal recessive hereditary spastic paraplegia, mental impairment, and thin corpus callosum; Spastic paraplegia, mental retardation and thin corpus callosum; Spastic Paraplegia 11; SPASTIC PARAPLEGIA, AUTOSOMAL RECESSIVE, COMPLICATED, WITH THIN CORPUS CALLOSUM; SPASTIC PARAPLEGIA, AUTOSOMAL RECESSIVE, WITH MENTAL IMPAIRMENT AND THIN CORPUS CALLOSUM. Identifiers: Orphanet 2822, MedGen C1858479, MONDO:0011445, OMIM 604360.
Charcot-Marie-Tooth disease axonal type 2X. Also called: CHARCOT-MARIE-TOOTH DISEASE, AXONAL, AUTOSOMAL RECESSIVE, TYPE 2X; CHARCOT-MARIE-TOOTH NEUROPATHY, TYPE 2X. Identifiers: Orphanet 466775, MedGen C5569024, MONDO:0014726, OMIM 616668.
Amyotrophic lateral sclerosis type 5 (ALS5). Also called: AMYOTROPHIC LATERAL SCLEROSIS 5, JUVENILE. Identifiers: Orphanet 300605, MedGen C1865864, MONDO:0011196, OMIM 602099.

Allele frequency attached by ClinVar (database versions not stated): TOPMed below 0.00001; ExAC 0.00001; gnomAD 0.00001.
gnomAD v4.1: 2 of 1,612,806 alleles (0.00012%); highest among the groups gnomAD compares: East Asian, 0.0022%; no homozygotes.

Submissions (7):

PreventionGenetics, part of Exact Sciences
Classification: Uncertain significance for SPG11-related condition. Last evaluated: 2025-07-08. Review status: criteria provided, single submitter. Criteria: ACMG Guidelines, 2015. Collection method: clinical testing. Allele origin: germline.
Comment: The SPG11 c.3893C>T variant is predicted to result in the amino acid substitution p.Ala1298Val. To our knowledge, this variant has not been reported in the literature. This variant is reported in 0.0054% of alleles in individuals of East Asian descent in gnomAD. At this time, the clinical significance of this variant is uncertain due to the absence of conclusive functional and genetic evidence.

Labcorp Genetics (formerly Invitae), Labcorp
Classification: Uncertain significance for Hereditary spastic paraplegia 11. Last evaluated: 2024-09-24. Review status: criteria provided, single submitter. Criteria: Invitae Variant Classification Sherloc (09022015). Collection method: clinical testing. Allele origin: germline.
Comment: This sequence change replaces alanine, which is neutral and non-polar, with valine, which is neutral and non-polar, at codon 1298 of the SPG11 protein (p.Ala1298Val). This variant is present in population databases (rs768718170, gnomAD 0.006%). This variant has not been reported in the literature in individuals affected with SPG11-related conditions. ClinVar contains an entry for this variant (Variation ID: 662587). An algorithm developed to predict the effect of missense changes on protein structure and function outputs the following: PolyPhen-2: "Probably Damaging". The valine amino acid residue is found in multiple mammalian species, which suggests that this missense change does not adversely affect protein function. In summary, the available evidence is currently insufficient to determine the role of this variant in disease. Therefore, it has been classified as a Variant of Uncertain Significance.

Ambry Genetics
Classification: Uncertain significance for Inborn genetic diseases. Last evaluated: 2024-04-01. Review status: criteria provided, single submitter. Criteria: Ambry Variant Classification Scheme 2023. Collection method: clinical testing. Allele origin: germline.

Genome Diagnostics Laboratory, The Hospital for Sick Children
Classification: Uncertain significance for Hereditary spastic paraplegia. Last evaluated: 2019-06-01. Review status: criteria provided, single submitter. Criteria: ACMG Guidelines, 2015. Collection method: clinical testing. Allele origin: germline. Affected: yes.

Genome-Nilou Lab
Classification: Uncertain significance for Amyotrophic lateral sclerosis type 5. Review status: criteria provided, single submitter. Criteria: ACMG Guidelines, 2015. Collection method: clinical testing. Allele origin: germline.

Genome-Nilou Lab
Classification: Uncertain significance for Charcot-Marie-Tooth disease axonal type 2X. Review status: criteria provided, single submitter. Criteria: ACMG Guidelines, 2015. Collection method: clinical testing. Allele origin: germline.

Genome-Nilou Lab
Classification: Uncertain significance for Hereditary spastic paraplegia 11. Review status: criteria provided, single submitter. Criteria: ACMG Guidelines, 2015. Collection method: clinical testing. Allele origin: germline.